The following is an entry in ClinVar:

NM_001017995.3(SH3PXD2B):c.1221C>T (p.Tyr407=)

Gene: SH3PXD2B (SH3 and PX domains 2B; minus strand). Cytogenetic location: 5q35.1.
Variant type: single nucleotide variant.
Coding change: c.1221C>T on transcript NM_001017995.3 (MANE Select); coding-DNA position 1221, C replaced by T.
Protein change: p.Tyr407=; no amino-acid change (tyrosine 407 retained).
Molecular consequence: synonymous variant. On other transcripts: intron variant (1).
Genome position (GRCh38, 1-based): chr5:172,339,884, G>A on the plus strand (C>T on the coding strand, the complement: SH3PXD2B is on the minus strand). VCF-style: chr5-172339884-G-A. GRCh37 (hg19) VCF-style: chr5-171766888-G-A.
Other names: c.1188+6252C>T (NM_001308175.2); c.1221C>T (NM_001017995.2).
Identifiers: ClinVar variation 1910719 (VCV001910719.7), dbSNP rs201017228, ClinGen allele CA3561245.
Genomic context (GRCh38, chr5:172,339,884, plus strand): 5'-CTTCTTGTACTTGTCAATGAAGGTGGCCGGGGCCCACCCTTCCTTATCTTCAATCTGAAT[G>A]TACCACCAGCCACTCAAGTTTTTCTCGATCACCTGCAAGGGAGGATAGAGAAAGGCACTT-3'
Protein context (NP_001017995.1, residues 397-417): VIEKNLSGWW[Tyr407=]IQIEDKEGWA

ClinVar aggregate classification (germline): Likely benign. Review status: criteria provided, single submitter (1 of 4 stars). 2 submissions from 2 submitters: Likely benign (1). 1 of the submissions does not count toward it. Last evaluated 2022-06-02.

Conditions:
SH3PXD2B-related disorder. Also called: SH3PXD2B-related condition.

Allele frequency attached by ClinVar (database versions not stated): gnomAD 0.00001; gnomAD exomes 0.00001; 1000 Genomes Project 0.00020; 1000 Genomes Project 30x 0.00031; TOPMed below 0.00001.
gnomAD v4.1: 17 of 1,614,234 alleles (0.0011%); highest among the groups gnomAD compares: East Asian, 0.02%; no homozygotes.

Submissions (2):

Labcorp Genetics (formerly Invitae), Labcorp
Classification: Likely benign. Last evaluated: 2022-06-02. Review status: criteria provided, single submitter. Criteria: Invitae Variant Classification Sherloc (09022015). Collection method: clinical testing. Allele origin: germline.

PreventionGenetics, part of Exact Sciences
Classification: Likely benign for SH3PXD2B-related condition. Last evaluated: 2019-04-10. Review status: no assertion criteria provided. Collection method: clinical testing. Allele origin: germline. Not counted in ClinVar's aggregate classification.
Comment: This variant is classified as likely benign based on ACMG/AMP sequence variant interpretation guidelines (Richards et al. 2015 PMID: 25741868, with internal and published modifications).